The following is an entry in ClinVar:

ClinVar aggregate classification (germline): Uncertain significance (1 of 4 stars; one submission).

gnomAD v4.1: 134 of 1,613,816 alleles (0.0083%); highest among the groups gnomAD compares: Middle Eastern, 0.016%; 1 homozygote.

Submission:

Women's Health and Genetics/Laboratory Corporation of America, LabCorp
Classification: Uncertain significance. Last evaluated: 2024-03-26. Review status: criteria provided, single submitter. Criteria: LabCorp Variant Classification Summary - May 2015. Collection method: clinical testing. Allele origin: germline.
Comment: Variant summary: RASGRP2 c.1118C>T (p.Thr373Met) results in a non-conservative amino acid change located in the Ras guanine-nucleotide exchange factors catalytic domain (IPR001895) of the encoded protein sequence. Four of five in-silico tools predict a damaging effect of the variant on protein function. The variant allele was found at a frequency of 8.4e-05 in 250882 control chromosomes. This frequency does not allow for any conclusion about variant significance. To our knowledge, no occurrence of c.1118C>T in individuals affected with Platelet-Type Bleeding Disorder 18 and no experimental evidence demonstrating its impact on protein function have been reported. No submitters have cited clinical-significance assessments for this variant to ClinVar. Based on the evidence outlined above, the variant was classified as uncertain significance.

NM_001098671.2(RASGRP2):c.1118C>T (p.Thr373Met)

Gene: RASGRP2 (RAS guanyl releasing protein 2; minus strand). Cytogenetic location: 11q13.1.
Variant type: single nucleotide variant.
Coding change: c.1118C>T on transcript NM_001098671.2 (MANE Select); coding-DNA position 1118, C replaced by T.
Protein change: p.Thr373Met; replaces threonine 373 with methionine.
Molecular consequence: missense variant.
Genome position (GRCh38, 1-based): chr11:64,735,958, G>A on the plus strand (C>T on the coding strand, the complement: RASGRP2 is on the minus strand). VCF-style: chr11-64735958-G-A. GRCh37 (hg19) VCF-style: chr11-64503430-G-A.
Other names: c.1118C>T, p.Thr373Met (NM_001098670.2, NM_153819.2); c.683C>T, p.Thr228Met (NM_001318398.2); short protein forms T228M, T373M.
Identifiers: ClinVar variation 3233761 (VCV003233761.2), dbSNP rs139499587, ClinGen allele CA6079019.